The following is an entry in ClinVar:

NM_001353345.2(SETD1B):c.386T>G (p.Val129Gly)

Gene: SETD1B (SET domain containing 1B, histone lysine methyltransferase; plus strand). Cytogenetic location: 12q24.31.
Variant type: single nucleotide variant.
Coding change: c.386T>G on transcript NM_001353345.2 (MANE Select); coding-DNA position 386, T replaced by G.
Protein change: p.Val129Gly; replaces valine 129 with glycine.
Molecular consequence: missense variant.
Genome position (GRCh38, 1-based): chr12:121,805,947, T>G. VCF-style: chr12-121805947-T-G. GRCh37 (hg19) VCF-style: chr12-122243853-T-G.
Other names: short protein forms V129G.
Identifiers: ClinVar variation 1064508 (VCV001064508.1), dbSNP rs2137544259, ClinGen allele CA386987946.
Genomic context (GRCh38, chr12:121,805,947, plus strand): 5'-AGCTGAATGATAACATCCGTGAAAACTTCCTGAGGGACATGTGCAAGAAGTATGGGGAGG[T>G]GGAGGAGGTGGAGATTTTGTACAACCCCAAGACCAAGAAGCACCTGGGCATCGCCAAGGT-3'
Protein context (NP_001340274.1, residues 119-139): LRDMCKKYGE[Val129Gly]EEVEILYNPK

ClinVar aggregate classification (germline): Likely pathogenic (1 of 4 stars; one submission).

Conditions:
Intellectual developmental disorder with seizures and language delay (IDDSELD). Identifiers: MedGen C5436574, MONDO:0033559, OMIM 619000.

Submission:

SIB Swiss Institute of Bioinformatics
Classification: Likely pathogenic for Intellectual developmental disorder with seizures and language delay. Last evaluated: 2021-04-13. Review status: criteria provided, single submitter. Criteria: ACMG Guidelines, 2015. Collection method: curation. Allele origin: unknown.
Comment: This variant is interpreted as likely pathogenic for Intellectual developmental disorder with seizures and language delay, autosomal dominant. The following ACMG Tag(s) were applied: Absent from controls (or at extremely low frequency if recessive) in Exome Sequencing Project, 1000 Genomes Project, or Exome Aggregation Consortium (PM2); De novo (paternity and maternity confirmed) (PS2); Multiple lines of computational evidence support a deleterious effect on the gene or gene product (PP3); Missense variant in a gene that has a low rate of benign missense variation and in which missense variants are a common mechanism of disease (PP2).

Literature cited by the submitters: PubMed 31440728.